The following is an entry in ClinVar:

NM_020975.6(RET):c.611A>G (p.Tyr204Cys)

Gene: RET (ret proto-oncogene; plus strand). Cytogenetic location: 10q11.21.
Variant type: single nucleotide variant.
Coding change: c.611A>G on transcript NM_020975.6 (MANE Select); coding-DNA position 611, A replaced by G.
Protein change: p.Tyr204Cys; replaces tyrosine 204 with cysteine.
Molecular consequence: missense variant. On other transcripts: intron variant (15).
Genome position (GRCh38, 1-based): chr10:43,102,615, A>G. VCF-style: chr10-43102615-A-G. GRCh37 (hg19) VCF-style: chr10-43598063-A-G.
Other names: c.611A>G, p.Tyr204Cys (NM_001406763.1, NM_001406765.1, NM_001406769.1 and 14 more transcripts); c.482A>G, p.Tyr161Cys (NM_001406764.1, NM_001406768.1, NM_001406774.1 and 4 more transcripts); c.337+1893A>G (NM_001406770.1, NM_001406766.1, NM_001406767.1 and 8 more transcripts); c.74-6416A>G (NM_001406784.1); c.74-9484A>G (NM_001406794.1, NM_001406792.1, NM_001406793.1); short protein forms Y204C, Y161C.
Identifiers: ClinVar variation 5028183 (VCV005028183.1).
Genomic context (GRCh38, chr10:43,102,615, plus strand): 5'-CCTTCCACCAGTTCCGCCTGCTGCCTGTGCAGTTCTTGTGCCCCAACATCAGCGTGGCCT[A>G]CAGGCTCCTGGAGGGTGAGTGCCGACCTTGTGGGGCCGCCCCACAGTGCCTGCTACTGCT-3'
Protein context (NP_066124.1, residues 194-214): QFLCPNISVA[Tyr204Cys]RLLEGEGLPF

ClinVar aggregate classification (germline): Uncertain significance (1 of 4 stars; one submission).

Conditions:
Hereditary cancer-predisposing syndrome. Also called: Neoplastic Syndromes, Hereditary; Tumor predisposition; Hereditary neoplastic syndrome; Hereditary Cancer Syndrome. Identifiers: Orphanet 140162, MedGen C0027672, MeSH D009386, MONDO:0015356.

Submission:

Ambry Genetics
Classification: Uncertain significance for Hereditary cancer-predisposing syndrome. Last evaluated: 2026-07-07. Review status: criteria provided, single submitter. Criteria: Ambry Variant Classification Scheme 2023. Collection method: clinical testing. Allele origin: germline.
Comment: The p.Y204C variant (also known as c.611A>G), located in coding exon 3 of the RET gene, results from an A to G substitution at nucleotide position 611. The tyrosine at codon 204 is replaced by cysteine, an amino acid with highly dissimilar properties. This amino acid position is conserved. In addition, this alteration is predicted to be deleterious by in silico analysis. Based on the available evidence, the clinical significance of this variant remains unclear.